The following is an entry in ClinVar:

NM_000051.4(ATM):c.3461T>A (p.Leu1154Ter)

Gene: ATM (ATM serine/threonine kinase; plus strand). Cytogenetic location: 11q22.3.
Variant type: single nucleotide variant.
Coding change: c.3461T>A on transcript NM_000051.4 (MANE Select); coding-DNA position 3461, T replaced by A.
Protein change: p.Leu1154Ter; replaces leucine 1154 with a stop codon.
Molecular consequence: nonsense.
Genome position (GRCh38, 1-based): chr11:108,281,053, T>A. VCF-style: chr11-108281053-T-A. GRCh37 (hg19) VCF-style: chr11-108151780-T-A.
Other names: c.3461T>A, p.Leu1154Ter (NM_001351834.2); short protein forms L1154*.
Identifiers: ClinVar variation 1074411 (VCV001074411.7), dbSNP rs2135666960, ClinGen allele CA382519409.

ClinVar aggregate classification (germline): Pathogenic (1 of 4 stars; one submission).

Conditions:
Ataxia-telangiectasia syndrome (AT). Also called: Cerebello-oculocutaneous telangiectasia; Immunodeficiency with ataxia telangiectasia; ATAXIA-TELANGIECTASIA, FRESNO VARIANT; Ataxia-telangiectasia, complementation group D; Ataxia telangiectasia (A-T); LOUIS-BAR SYNDROME. Identifiers: Orphanet 100, MedGen C0004135, MONDO:0008840, OMIM 208900.

Submission:

Labcorp Genetics (formerly Invitae), Labcorp
Classification: Pathogenic for Ataxia-telangiectasia syndrome. Last evaluated: 2023-06-30. Review status: criteria provided, single submitter. Criteria: Invitae Variant Classification Sherloc (09022015). Collection method: clinical testing. Allele origin: germline.
Comment: For these reasons, this variant has been classified as Pathogenic. ClinVar contains an entry for this variant (Variation ID: 1074411). This variant has not been reported in the literature in individuals affected with ATM-related conditions. This variant is not present in population databases (gnomAD no frequency). This sequence change creates a premature translational stop signal (p.Leu1154*) in the ATM gene. It is expected to result in an absent or disrupted protein product. Loss-of-function variants in ATM are known to be pathogenic (PMID: 23807571, 25614872).

Literature cited by the submitters: PubMed 23807571; PubMed 25614872.